The following is an entry in ClinVar:

NM_000501.4(ELN):c.1916T>C (p.Phe639Ser)

Gene: ELN (elastin; plus strand). Cytogenetic location: 7q11.23.
Variant type: single nucleotide variant.
Coding change: c.1916T>C on transcript NM_000501.4 (MANE Select); coding-DNA position 1916, T replaced by C.
Protein change: p.Phe639Ser; replaces phenylalanine 639 with serine.
Molecular consequence: missense variant.
Genome position (GRCh38, 1-based): chr7:74,063,367, T>C. VCF-style: chr7-74063367-T-C. GRCh37 (hg19) VCF-style: chr7-73477697-T-C.
Other names: c.1829T>C, p.Phe610Ser (NM_001081752.3); c.1874T>C, p.Phe625Ser (NM_001081753.3); c.1931T>C, p.Phe644Ser (NM_001081754.3); c.1859T>C, p.Phe620Ser (NM_001081755.3); c.1916T>C, p.Phe639Ser (NM_001278912.2); c.1673T>C, p.Phe558Ser (NM_001278913.2); c.1844T>C, p.Phe615Ser (NM_001278914.2); c.1934T>C, p.Phe645Ser (NM_001278915.2); and 4 more; short protein forms F550S, F558S, F591S, F610S, F615S, F620S, F625S, F629S.
Identifiers: ClinVar variation 1320620 (VCV001320620.7), dbSNP rs782280724, ClinGen allele CA4293284.

ClinVar aggregate classification (germline): Uncertain significance. Review status: criteria provided, multiple submitters, no conflicts (2 of 4 stars). 3 submissions from 3 submitters: Uncertain significance (3). Last evaluated 2023-04-18.

Conditions:
Inborn genetic diseases. Identifiers: MedGen C0950123, MeSH D030342.
Supravalvar aortic stenosis (SVAS). Also called: Supravalvar aortic stenosis, Eisenberg type. Identifiers: Orphanet 3193, MedGen C0003499, MONDO:0008504, OMIM 185500, HP:0004381.

Allele frequency attached by ClinVar (database versions not stated): gnomAD 0.00001; gnomAD exomes 0.00001 and 0.00002.
gnomAD v4.1: 13 of 1,546,348 alleles (0.00084%); highest among the groups gnomAD compares: Admixed American, 0.0078%; no homozygotes.

Submissions (3):

Labcorp Genetics (formerly Invitae), Labcorp
Classification: Uncertain significance for Supravalvar aortic stenosis. Last evaluated: 2023-04-18. Review status: criteria provided, single submitter. Criteria: Invitae Variant Classification Sherloc (09022015). Collection method: clinical testing. Allele origin: germline.
Comment: This sequence change replaces phenylalanine, which is neutral and non-polar, with serine, which is neutral and polar, at codon 701 of the ELN protein (p.Phe701Ser). In summary, the available evidence is currently insufficient to determine the role of this variant in disease. Therefore, it has been classified as a Variant of Uncertain Significance. Experimental studies and prediction algorithms are not available or were not evaluated, and the functional significance of this variant is currently unknown. ClinVar contains an entry for this variant (Variation ID: 1320620). This variant has not been reported in the literature in individuals affected with ELN-related conditions. This variant is present in population databases (rs782280724, gnomAD 0.01%).

Ambry Genetics
Classification: Uncertain significance for Inborn genetic diseases. Last evaluated: 2021-06-11. Review status: criteria provided, single submitter. Criteria: Ambry Variant Classification Scheme 2023. Collection method: clinical testing. Allele origin: germline.

GeneDx
Classification: Uncertain significance. Last evaluated: 2021-05-06. Review status: criteria provided, single submitter. Criteria: GeneDx Variant Classification Process June 2021. Collection method: clinical testing. Allele origin: germline. Affected: yes.
Comment: Has not been previously published as pathogenic or benign to our knowledge; In silico analysis supports that this missense variant has a deleterious effect on protein structure/function